The following is an entry in ClinVar:

NM_002972.4(SBF1):c.4588A>G (p.Ser1530Gly)

Gene: SBF1 (SET binding factor 1; minus strand). Cytogenetic location: 22q13.33.
Variant type: single nucleotide variant.
Coding change: c.4588A>G on transcript NM_002972.4 (MANE Select); coding-DNA position 4588, A replaced by G.
Protein change: p.Ser1530Gly; replaces serine 1530 with glycine.
Molecular consequence: missense variant.
Genome position (GRCh38, 1-based): chr22:50,455,109, T>C on the plus strand (A>G on the coding strand, the complement: SBF1 is on the minus strand). VCF-style: chr22-50455109-T-C. GRCh37 (hg19) VCF-style: chr22-50893538-T-C.
Other names: c.4513A>G, p.Ser1505Gly (NM_001365819.1); short protein forms S1505G, S1530G.
Identifiers: ClinVar variation 1369640 (VCV001369640.3), dbSNP rs776103483, ClinGen allele CA10316199.

ClinVar aggregate classification (germline): Uncertain significance (1 of 4 stars; one submission).

Allele frequency attached by ClinVar (database versions not stated): gnomAD exomes below 0.00001 and 0.00001; TOPMed below 0.00001; ExAC 0.00001; gnomAD 0.00001.

Submission:

Labcorp Genetics (formerly Invitae), Labcorp
Classification: Uncertain significance. Last evaluated: 2022-05-16. Review status: criteria provided, single submitter. Criteria: Invitae Variant Classification Sherloc (09022015). Collection method: clinical testing. Allele origin: germline.
Comment: This sequence change replaces serine, which is neutral and polar, with glycine, which is neutral and non-polar, at codon 1530 of the SBF1 protein (p.Ser1530Gly). This variant is present in population databases (rs776103483, gnomAD 0.0009%). This variant has not been reported in the literature in individuals affected with SBF1-related conditions. Algorithms developed to predict the effect of missense changes on protein structure and function are either unavailable or do not agree on the potential impact of this missense change (SIFT: "Deleterious"; PolyPhen-2: "Possibly Damaging"; Align-GVGD: "Class C0"). In summary, the available evidence is currently insufficient to determine the role of this variant in disease. Therefore, it has been classified as a Variant of Uncertain Significance.